The following is an entry in ClinVar:

ClinVar aggregate classification (germline): Uncertain significance (1 of 4 stars; one submission).

Conditions:
Familial cancer of breast. Also called: hereditary breast carcinoma; BREAST CANCER, FAMILIAL; Hereditary breast cancer. Identifiers: Orphanet 227535, MedGen C0346153, MONDO:0016419, OMIM 114480. Disease mechanism: loss of function.

Submission:

Labcorp Genetics (formerly Invitae), Labcorp
Classification: Uncertain significance for Familial cancer of breast. Last evaluated: 2021-07-26. Review status: criteria provided, single submitter. Criteria: Invitae Variant Classification Sherloc (09022015). Collection method: clinical testing. Allele origin: germline.
Comment: Algorithms developed to predict the effect of missense changes on protein structure and function are either unavailable or do not agree on the potential impact of this missense change (SIFT: "Tolerated"; PolyPhen-2: "Probably Damaging"; Align-GVGD: "Class C0"). In summary, the available evidence is currently insufficient to determine the role of this variant in disease. Therefore, it has been classified as a Variant of Uncertain Significance. This variant has not been reported in the literature in individuals affected with BARD1-related conditions. This variant is not present in population databases (ExAC no frequency). This sequence change replaces arginine with proline at codon 15 of the BARD1 protein (p.Arg15Pro). The arginine residue is moderately conserved and there is a moderate physicochemical difference between arginine and proline.

NM_000465.4(BARD1):c.44G>C (p.Arg15Pro)

Gene: BARD1 (BRCA1 associated RING domain 1; minus strand). Cytogenetic location: 2q35.
Variant type: single nucleotide variant.
Coding change: c.44G>C on transcript NM_000465.4 (MANE Select); coding-DNA position 44, G replaced by C.
Protein change: p.Arg15Pro; replaces arginine 15 with proline.
Molecular consequence: missense variant. On other transcripts: non-coding transcript variant (3).
Genome position (GRCh38, 1-based): chr2:214,809,526, C>G on the plus strand (G>C on the coding strand, the complement: BARD1 is on the minus strand). VCF-style: chr2-214809526-C-G. GRCh37 (hg19) VCF-style: chr2-215674250-C-G.
Other names: c.44G>C, p.Arg15Pro (NM_001282543.2, NM_001282545.2, NM_001282548.2 and 1 more transcripts); short protein forms R15P.
Identifiers: ClinVar variation 1407350 (VCV001407350.9), dbSNP rs545107676, ClinGen allele CA350465301.